The following is an entry in ClinVar:

NM_016366.3(CABP2):c.637+1G>T

Gene: CABP2 (calcium binding protein 2; minus strand). Cytogenetic location: 11q13.2.
Variant type: single nucleotide variant.
Coding change: c.637+1G>T on transcript NM_016366.3 (MANE Select); the canonical splice donor site of the intron after coding-DNA position 637, G replaced by T.
Molecular consequence: splice donor variant.
Genome position (GRCh38, 1-based): chr11:67,519,792, C>A on the plus strand (G>T on the coding strand, the complement: CABP2 is on the minus strand). VCF-style: chr11-67519792-C-A. GRCh37 (hg19) VCF-style: chr11-67287263-C-A.
Other names: IVS6DS, G-T, +1; c.655+1G>T (NM_001318496.2).
Identifiers: ClinVar variation 597198 (VCV000597198.77), dbSNP rs149712664, ClinGen allele CA6142365.
Genomic context (GRCh38, chr11:67,519,792, plus strand): 5'-GCGGTTTCTTATCTGCTAGGACCCTTCCAGGGCGTGTGTTGCTATGTGCGGCAGGGGGTA[C>A]CTTCGAAGTCGACCAGACCGTCCCCATTGAGGTCCACGTCCTGGAGGATCTCGTCCACCT-3'

ClinVar aggregate classification (germline): Pathogenic/Likely pathogenic. Review status: criteria provided, multiple submitters, no conflicts (2 of 4 stars). 23 submissions from 23 submitters: Pathogenic (17); Likely pathogenic (1). 5 of the submissions do not count toward it. Last evaluated 2026-09-18.

Conditions:
Monogenic hearing loss.
CABP2-related disorder. Also called: CABP2-related condition.
Autosomal recessive nonsyndromic hearing loss 93. Also called: Deafness, autosomal recessive 93. Identifiers: Orphanet 90636, MedGen C3888355, MONDO:0013963, OMIM 614899.
Hearing loss, autosomal recessive. Also called: Rare autosomal recessive non-syndromic sensorineural deafness type DFNB; Autosomal recessive nonsyndromic deafness; Nonsyndromic Hearing Loss, Recessive; Deafness, autosomal recessive. Identifiers: Orphanet 90635, Orphanet 90636, MedGen C1846647, MONDO:0019588, OMIM 607197.

Allele frequency attached by ClinVar (database versions not stated): TOPMed 0.00048; ESP Exome Variant Server 0.00077; gnomAD exomes 0.00102; ExAC 0.00111.
gnomAD v4.1: 1,616 of 1,613,532 alleles (0.1%); highest among the groups gnomAD compares: South Asian, 0.14%; 2 homozygotes.

Submissions 1 to 12 of 23:

PreventionGenetics, part of Exact Sciences
Classification: Pathogenic for CABP2-related condition. Last evaluated: 2026-09-18. Review status: criteria provided, single submitter. Criteria: ACMG Guidelines, 2015. Collection method: clinical testing. Allele origin: germline.
Comment: The CABP2 c.637+1G>T variant is predicted to disrupt the GT donor site and interfere with normal splicing. This variant segregated with autosomal recessive hearing loss in seven families with 15 affected and 11 unaffected individuals (Schrauwen et al. 2012. PubMed ID: 22981119; Ramzan et al. 2020. PubMed ID: 32681043; Sheyanth et al. 2021. PubMed ID: 33666369; Bharadwaj et al. 2022. PubMed ID: 35150090). This variant is reported in 0.33% of alleles in individuals of European (Finnish) descent in gnomAD. This variant is interpreted as pathogenic.

Genetics Laboratory, Great Ormond Street Hospital NHS Foundation Trust, North Thames Genomic Laboratory Hub
Classification: Pathogenic for Monogenic hearing loss. Last evaluated: 2026-06-03. Review status: criteria provided, single submitter. Criteria: ACGS Best Practice Guidelines for Variant Classification in Rare Disease 2024 v1.2. Collection method: clinical testing. Allele origin: germline. Affected: yes.
Comment: PVS1_strong, PP1_strong, PM3_moderate

Dasa
Classification: Pathogenic. Last evaluated: 2026-04-15. Review status: criteria provided, single submitter. Criteria: DASA Assertion Criteria. Collection method: clinical testing. Allele origin: germline.
Comment: NM_016366.3(CABP2):c.637+1G>T introduces a premature termination codon predicted to result in loss of normal protein function. Loss-of-function is an established mechanism of disease for this gene. Segregation evidence has been reported in affected families. This variant has been observed in affected individuals with related phenotype in a genotype context consistent with recessive disease (PMID: 33666369; PMID: 32681043; PMID: 30303587; PMID: 22981119; PMID: 32991204). Functional evidence supports a deleterious effect on the gene or gene product (PMID: 33666369; PMID: 32681043; PMID: 30303587; PMID: 22981119; PMID: 32991204). This variant has been recurrently observed in individuals with related phenotype (PMID: 33666369; PMID: 32681043; PMID: 30303587; PMID: 22981119; PMID: 32991204). The variant is present at low frequency in population datasets. Based on the available data, this variant is classified as pathogenic.

Labcorp Genetics (formerly Invitae), Labcorp
Classification: Pathogenic. Last evaluated: 2025-12-25. Review status: criteria provided, single submitter. Criteria: Invitae Variant Classification Sherloc (09022015). Collection method: clinical testing. Allele origin: germline.
Comment: This sequence change affects a donor splice site in intron 6 of the CABP2 gene. RNA analysis indicates that disruption of this splice site induces altered splicing and likely disrupts the C-terminus of the protein. This variant is present in population databases (rs149712664, gnomAD 0.4%), and has an allele count higher than expected for a pathogenic variant. Disruption of this splice site has been observed in individual(s) with deafness (PMID: 22981119). It has also been observed to segregate with disease in related individuals. ClinVar contains an entry for this variant (Variation ID: 597198). Variants that disrupt the consensus splice site are a relatively common cause of aberrant splicing (PMID: 17576681, 9536098). Studies have shown that disruption of this splice site results in skipping of exon 6 and introduces a new termination codon (PMID: 22981119). However the mRNA is not expected to undergo nonsense-mediated decay. For these reasons, this variant has been classified as Pathogenic.

Genetics Research Center, University of Social Welfare and Rehabilitation Sciences
Classification: Pathogenic for Autosomal recessive nonsyndromic hearing loss 93. Last evaluated: 2025-12-09. Review status: criteria provided, single submitter. Criteria: ACMG Guidelines, 2015. Collection method: research. Allele origin: germline. Affected: yes.
Comment: The variant is present at a very low frequency in the gnomAD v2.1.1 dataset (allele frequency: 0.1%). RNA splicing prediction tools suggest that this variant may cause an aberrant splice site. Previous studies have reported its association with CABP2-related disorders (PMID: 33666369, 35150090, 33269433, 30303587, 26445815). It has also been observed to segregate with disease in related individuals. cDNA analysis of transfected COS-7 cells produced only a 177-bp PCR fragment, consistent with complete exon 6 skipping and a resulting frameshift leading to an early stop at codon F164 (Phe164Serfs*4) (PMID: 22981119).

CeGaT Center for Human Genetics Tuebingen
Classification: Pathogenic. Last evaluated: 2025-09-01. Review status: criteria provided, single submitter. Criteria: CeGaT Center For Human Genetics Tuebingen Variant Classification Criteria Version 2. Collection method: clinical testing. Allele origin: germline. Affected: yes. Observed: 9 variant alleles.
Comment: CABP2: PM3:Strong, PP1:Strong, PVS1:Strong, PM2:Supporting, PS3:Supporting

Blueprint Genetics
Classification: Pathogenic for CABP2-related disorders. Last evaluated: 2024-11-22. Review status: criteria provided, single submitter. Criteria: ACMG Guidelines, 2015. Collection method: clinical testing. Allele origin: germline. Affected: yes. Observed: 5 variant alleles.

Genomic Medicine Center of Excellence, King Faisal Specialist Hospital and Research Centre
Classification: Pathogenic for Autosomal recessive nonsyndromic hearing loss 93. Last evaluated: 2024-03-26. Review status: criteria provided, single submitter. Criteria: ACMG Guidelines, 2015. Collection method: clinical testing. Allele origin: germline.

Pittsburgh Clinical Genomics Laboratory, University of Pittsburgh Medical Center
Classification: Pathogenic for Autosomal recessive nonsyndromic hearing loss 93. Last evaluated: 2023-05-19. Review status: criteria provided, single submitter. Criteria: ACMG Guidelines, 2015. Collection method: clinical testing. Allele origin: germline. Inheritance: Autosomal recessive inheritance. Affected: yes.
Comment: This sequence variant is a single nucleotide substitution (G>T) at the +1 canonical donor splice site of the sixth of seven exons of the CABP2 gene. The disruption of this donor site is expected to lead to the out of frame skipping of exon 6 resulting in the production of a truncated protein that lacks the calcium binding domains critical for calcium sensing by CABP2 (PMID: 22981119). This is a previously reported variant (ClinVar) that has been observed in individuals with hearing loss (PMID: 33666369, 32681043, 30303587). In addition, this variant segregated with hearing loss across multiple individuals in multiple families (PMID: 22981119, 32991204, 35150090, 33269433). This variant is present in 291 of 282,396 alleles (0.1%) in the gnomAD control population dataset. This variant is particularly common in the European Finnish population (0.3%); this relatively high minor allele frequency is attributed to stochastic demographic processes (PMID: 35150090). R, protein, and whole cell alysis confirms that this variant results in the skipping of exon 6, alters calcium affinity of the protein product, and disrupts calcium dependent ictivation of calcium channels (PMID: 22981119). Given this information, we consider this a pathogenic variant. ACMG Criteria: PP1, PS3, PVS1

Neuberg Centre For Genomic Medicine, NCGM
Classification: Pathogenic for Autosomal recessive nonsyndromic hearing loss 93. Last evaluated: 2023-03-01. Review status: criteria provided, single submitter. Criteria: ACMG Guidelines, 2015. Collection method: clinical testing. Allele origin: germline. Inheritance: Autosomal recessive inheritance. Affected: yes.
Comment: The invariant splice donor c.637+1G>T variant in CABP2 gene has been observed homozygous / compound heterozygous state in individual(s) with deafness (Schrauwen et. al., 2012). It has also been observed to segregate with disease in related individuals. Studies have shown that disruption of this splice site results in skipping of exon 6 and introduces a new termination codon (Schrauwen et. al., 2012). Variants that disrupt the consensus splice site are a relatively common cause of aberrant splicing (Buratti et. al., 2007). The c.637+1G>T variant is novel (not in any individuals) in 1000 Genomes and has allele frequency of 0.1% in gnomAD exomes database. This variant has been reported to the ClinVar database as Likely Pathogenic / Pathogenic (multiple submitters). For these reasons, this variant has been classified as Pathogenic. In the absence of another reportable variant in CABP2 gene, the molecular diagnosis is not confirmed.

Mayo Clinic Laboratories, Mayo Clinic
Classification: Pathogenic. Last evaluated: 2022-09-08. Review status: criteria provided, single submitter. Criteria: ACMG Guidelines, 2015. Collection method: clinical testing. Allele origin: germline. Observed: 1 variant allele.
Comment: PP1, PM3, PS4_moderate, PVS1_strong

Clinical Genetics Laboratory, Skane University Hospital Lund
Classification: Pathogenic. Last evaluated: 2022-05-27. Review status: criteria provided, single submitter. Criteria: ACMG Guidelines, 2015. Collection method: clinical testing. Allele origin: germline. Affected: yes.